The following is an entry in ClinVar:

ClinVar aggregate classification (germline): Pathogenic (1 of 4 stars; one submission).

Submission:

Labcorp Genetics (formerly Invitae), Labcorp
Classification: Pathogenic. Last evaluated: 2024-08-01. Review status: criteria provided, single submitter. Criteria: Invitae Variant Classification Sherloc (09022015). Collection method: clinical testing. Allele origin: germline.
Comment: This sequence change creates a premature translational stop signal (p.Leu372Phefs*2) in the LHCGR gene. While this is not anticipated to result in nonsense mediated decay, it is expected to disrupt the last 328 amino acid(s) of the LHCGR protein. This variant is not present in population databases (gnomAD no frequency). This variant has not been reported in the literature in individuals affected with LHCGR-related conditions. This variant disrupts a region of the LHCGR protein in which other variant(s) (p.Val393Gly) have been determined to be pathogenic (Invitae). This suggests that this is a clinically significant region of the protein, and that variants that disrupt it are likely to be disease-causing. For these reasons, this variant has been classified as Pathogenic.

NM_000233.4(LHCGR):c.1111_1112dup (p.Leu372fs)

Genes: LHCGR (luteinizing hormone/choriogonadotropin receptor; minus strand), STON1-GTF2A1L (STON1-GTF2A1L readthrough; plus strand). Cytogenetic location: 2p16.3.
Variant type: Microsatellite.
Coding change: c.1111_1112dup on transcript NM_000233.4 (MANE Select); coding-DNA positions 1111 to 1112, 2 bases duplicated (AT; older notation c.1111_1112dupAT).
Protein change: p.Leu372fs; shifts the reading frame from leucine 372.
Molecular consequence: frameshift variant. On other transcripts: intron variant (1).
Genome position (GRCh38, 1-based): chr2:48,688,685-48,688,686, AT duplicated on the plus strand (AT on the coding strand, the reverse complement: LHCGR is on the minus strand); duplicating any 2 consecutive bases within chr2:48,688,685-48,688,688 gives the same sequence; the c. name uses the placement nearest the transcript's 3' end. VCF-style (leftmost placement, unchanged base first): chr2-48688684-A-AAT. GRCh37 (hg19) VCF-style: chr2-48915823-A-AAT.
Other names: c.3441+17005AT[3] (NM_001198593.2); short protein forms L372fs.
Identifiers: ClinVar variation 3661165 (VCV003661165.2).